The following is an entry in ClinVar:

NM_001085411.2(NADK2):c.-312A>G

Gene: NADK2 (NAD kinase 2, mitochondrial; minus strand). Cytogenetic location: 5p13.2.
Variant type: single nucleotide variant.
Coding change: c.-312A>G on transcript NM_001085411.2; 312 bases upstream of the start codon, A replaced by G.
Molecular consequence: 5 prime UTR variant (on NM_001287341.2).
Genome position (GRCh38, 1-based): chr5:36,242,110, T>C on the plus strand (A>G on the coding strand, the complement: NADK2 is on the minus strand). VCF-style: chr5-36242110-T-C. GRCh37 (hg19) VCF-style: chr5-36242212-T-C.
Other names: c.-204A>G (NM_001287341.2, NM_153013.5).
Identifiers: ClinVar variation 379996 (VCV000379996.4), dbSNP rs67061065, ClinGen allele CA11966416.
Genomic context (GRCh38, chr5:36,242,110, plus strand): 5'-GCCCCAGCTAGTGGGTTTTGTTTGTTTGTTTATTCGTTTCACTCACGCCTGCATAATGGC[T>C]GCTTCGCCGCCCGGGGGCGACCTCCCCGCACCACACGCTTCCCCGAGGTCGCTCTTCTCC-3'

ClinVar aggregate classification (germline): Benign. Review status: criteria provided, multiple submitters, no conflicts (2 of 4 stars). 2 submissions from 2 submitters: Benign (2). Last evaluated 2015-12-02.

Allele frequency attached by ClinVar (database versions not stated): 1000 Genomes Project 0.30931; 1000 Genomes Project 30x 0.29872; gnomAD exomes 0.36170; TOPMed 0.31232; gnomAD 0.32314 and 0.32778.
gnomAD v4.1: 52,298 of 158,354 alleles (33%); highest among the groups gnomAD compares: South Asian, 49%; 9,440 homozygotes.

Submissions (2):

GeneDx
Classification: Benign. Last evaluated: 2015-12-02. Review status: criteria provided, single submitter. Criteria: GeneDx Variant Classification (06012015). Collection method: clinical testing. Allele origin: germline. Affected: yes.
Comment: This variant is considered likely benign or benign based on one or more of the following criteria: it is a conservative change, it occurs at a poorly conserved position in the protein, it is predicted to be benign by multiple in silico algorithms, and/or has population frequency not consistent with disease.

Breakthrough Genomics
Classification: Benign. Review status: criteria provided, single submitter. Criteria: ACMG Guidelines, 2015. Collection method: not provided. Allele origin: germline. Inheritance: Autosomal recessive inheritance. Affected: yes.